The following is an entry in ClinVar:

NM_015122.3(FCHO1):c.751A>T (p.Lys251Ter)

Gene: FCHO1 (FCH and mu domain containing endocytic adaptor 1; plus strand). Cytogenetic location: 19p13.11.
Variant type: single nucleotide variant.
Coding change: c.751A>T on transcript NM_015122.3 (MANE Select); coding-DNA position 751, A replaced by T.
Protein change: p.Lys251Ter; replaces lysine 251 with a stop codon.
Molecular consequence: nonsense. On other transcripts: non-coding transcript variant (34).
Genome position (GRCh38, 1-based): chr19:17,772,702, A>T. VCF-style: chr19-17772702-A-T. GRCh37 (hg19) VCF-style: chr19-17883511-A-T.
Other names: c.751A>T, p.Lys251Ter (NM_001161357.2, NM_001161358.2, NM_001384370.1 and 26 more transcripts); c.601A>T, p.Lys201Ter (NM_001161359.2, NM_001384384.1, NM_001384385.1 and 3 more transcripts); c.712A>T, p.Lys238Ter (NM_001384388.1, NM_001384389.1, NM_001384405.1); c.676A>T, p.Lys226Ter (NM_001384390.1); short protein forms K201*, K226*, K238*, K251*.
Identifiers: ClinVar variation 2630089 (VCV002630089.1), dbSNP rs2513631162, ClinGen allele CA404750172.

ClinVar aggregate classification (germline): Likely pathogenic (1 of 4 stars; one submission).

Conditions:
FCHO1-related disorder. Also called: FCHO1-related condition.

Submission:

PreventionGenetics, part of Exact Sciences
Classification: Likely pathogenic for FCHO1-related condition. Last evaluated: 2023-01-09. Review status: criteria provided, single submitter. Criteria: ACMG Guidelines, 2015. Collection method: clinical testing. Allele origin: germline.
Comment: The FCHO1 c.751A>T variant is predicted to result in premature protein termination (p.Lys251*). To our knowledge, this variant has not been reported in the literature or in a large population database, indicating this variant is rare. Nonsense variants in FCHO1 are expected to be pathogenic. This variant is interpreted as likely pathogenic.